The following is an entry in ClinVar:

ClinVar aggregate classification (germline): Uncertain significance. Review status: criteria provided, multiple submitters, no conflicts (2 of 4 stars). 3 submissions from 3 submitters: Uncertain significance (3). Last evaluated 2025-11-26.

Conditions:
Drash syndrome (DDS). Also called: NEPHROPATHY, WILMS TUMOR, AND GENITAL ANOMALIES; WILMS TUMOR AND PSEUDO- OR TRUE HERMAPHRODITISM. Identifiers: Orphanet 220, MedGen C0950121, MONDO:0008682, OMIM 194080.
Frasier syndrome. Identifiers: Orphanet 347, MedGen C0950122, MeSH D052159, MONDO:0007635, OMIM 136680.
Wilms tumor 1 (WT1). Also called: Wilms tumor, somatic. Identifiers: Orphanet 654, MedGen CN033288, MONDO:0008679, OMIM 194070.
11p partial monosomy syndrome (WAGR). Also called: CHROMOSOME 11p13 DELETION SYNDROME; WAGR syndrome; WAGR Spectrum Disorder; WAGR Complex. Identifiers: Orphanet 893, MedGen C0206115, MONDO:0008681, OMIM 194072.
Inborn genetic diseases. Identifiers: MedGen C0950123, MeSH D030342.

Allele frequency attached by ClinVar (database versions not stated): gnomAD exomes below 0.00001.
gnomAD v4.1: 1 of 1,614,160 alleles (0.000062%); highest among the groups gnomAD compares: Non-Finnish European, 0.000085%; no homozygotes.

Submissions (3):

Ambry Genetics
Classification: Uncertain significance for Inborn genetic diseases. Last evaluated: 2025-11-26. Review status: criteria provided, single submitter. Criteria: Ambry Variant Classification Scheme 2023. Collection method: clinical testing. Allele origin: germline.
Comment: The p.T385A variant (also known as c.1153A>G), located in coding exon 7 of the WT1 gene, results from an A to G substitution at nucleotide position 1153. The threonine at codon 385 is replaced by alanine, an amino acid with similar properties. This amino acid position is conserved. In addition, this alteration is predicted to be tolerated by in silico analysis. Based on the available evidence, the clinical significance of this variant remains unclear.

All of Us Research Program, National Institutes of Health
Classification: Uncertain significance for Wilms tumor 1. Last evaluated: 2023-12-01. Review status: criteria provided, single submitter. Criteria: ACMG Guidelines, 2015. Collection method: clinical testing. Allele origin: germline. Inheritance: Autosomal dominant inheritance. Observed: 2 variant alleles, 2 heterozygotes.
Comment: This missense variant replaces threonine with alanine at codon 385 of the WT1 protein. Computational prediction suggests that this variant may not impact protein structure and function (internally defined REVEL score threshold <= 0.5, PMID: 27666373). To our knowledge, functional studies have not been reported for this variant. This variant has not been reported in individuals affected with WT1-related disorders in the literature. This variant has not been identified in the general population by the Genome Aggregation Database (gnomAD). The available evidence is insufficient to determine the role of this variant in disease conclusively. Therefore, this variant is classified as a Variant of Uncertain Significance.

This study involves interpretation of variants in research participants for the purpose of population health screening. Participant phenotype was not available at the time of variant classification. Additional details can be found in publication PMID: 35346344, PMCID: PMC8962531

Labcorp Genetics (formerly Invitae), Labcorp
Classification: Uncertain significance for Wilms tumor 1; Drash syndrome; 11p partial monosomy syndrome; Frasier syndrome. Last evaluated: 2022-08-24. Review status: criteria provided, single submitter. Criteria: Invitae Variant Classification Sherloc (09022015). Collection method: clinical testing. Allele origin: germline.
Comment: This variant is not present in population databases (gnomAD no frequency). This sequence change replaces threonine, which is neutral and polar, with alanine, which is neutral and non-polar, at codon 385 of the WT1 protein (p.Thr385Ala). This variant has not been reported in the literature in individuals affected with WT1-related conditions. In summary, the available evidence is currently insufficient to determine the role of this variant in disease. Therefore, it has been classified as a Variant of Uncertain Significance. Algorithms developed to predict the effect of missense changes on protein structure and function are either unavailable or do not agree on the potential impact of this missense change (SIFT: "Deleterious"; PolyPhen-2: "Benign"; Align-GVGD: "Class C0").

NM_024426.6(WT1):c.1168A>G (p.Thr390Ala)

Gene: WT1 (WT1 transcription factor; minus strand). Cytogenetic location: 11p13.
Variant type: single nucleotide variant.
Coding change: c.1168A>G on transcript NM_024426.6 (MANE Select); coding-DNA position 1168, A replaced by G.
Protein change: p.Thr390Ala; replaces threonine 390 with alanine.
Molecular consequence: missense variant. On other transcripts: 5 prime UTR variant (1), non-coding transcript variant (1).
Genome position (GRCh38, 1-based): chr11:32,396,353, T>C on the plus strand (A>G on the coding strand, the complement: WT1 is on the minus strand). VCF-style: chr11-32396353-T-C. GRCh37 (hg19) VCF-style: chr11-32417899-T-C.
Other names: c.1117A>G, p.Thr373Ala (NM_000378.6, NM_001407045.1, NM_001407048.1 and 1 more transcripts); c.517A>G, p.Thr173Ala (NM_001198551.2); c.466A>G, p.Thr156Ala (NM_001198552.2); c.-21A>G (NM_001367854.1); c.1162A>G, p.Thr388Ala (NM_001407044.1); c.1168A>G, p.Thr390Ala (NM_001407046.1, NM_024424.5); c.1045A>G, p.Thr349Ala (NM_001407047.1); c.994A>G, p.Thr332Ala (NM_001407050.1); and 3 more; short protein forms T136A, T332A, T373A, T173A, T385A, T388A, T390A, T156A.
Identifiers: ClinVar variation 2123084 (VCV002123084.6), dbSNP rs2132940892, ClinGen allele CA379959985.